The following is an entry in ClinVar:

ClinVar aggregate classification (germline): Uncertain significance (1 of 4 stars; one submission).

Submission:

CeGaT Center for Human Genetics Tuebingen
Classification: Uncertain significance. Last evaluated: 2025-10-01. Review status: criteria provided, single submitter. Criteria: CeGaT Center For Human Genetics Tuebingen Variant Classification Criteria Version 2. Collection method: clinical testing. Allele origin: germline. Affected: yes. Observed: 1 variant allele.
Comment: KMT2A: PM2, BP4

NM_001197104.2(KMT2A):c.4332+6G>C

Gene: KMT2A (lysine methyltransferase 2A; plus strand). Cytogenetic location: 11q23.3.
Variant type: single nucleotide variant.
Coding change: c.4332+6G>C on transcript NM_001197104.2 (MANE Select); 6 bases into the intron after coding-DNA position 4332, G replaced by C.
Molecular consequence: intron variant.
Genome position (GRCh38, 1-based): chr11:118,484,981, G>C. VCF-style: chr11-118484981-G-C. GRCh37 (hg19) VCF-style: chr11-118355696-G-C.
Other names: c.4431+6G>C (NM_001412597.1); c.4332+6G>C (NM_005933.4).
Identifiers: ClinVar variation 4534890 (VCV004534890.6).